The following is an entry in ClinVar:

NM_001025603.2(RFX5):c.1775A>G (p.Asn592Ser)

Gene: RFX5 (regulatory factor X5; minus strand). Cytogenetic location: 1q21.3.
Variant type: single nucleotide variant.
Coding change: c.1775A>G on transcript NM_001025603.2 (MANE Select); coding-DNA position 1775, A replaced by G.
Protein change: p.Asn592Ser; replaces asparagine 592 with serine.
Molecular consequence: missense variant.
Genome position (GRCh38, 1-based): chr1:151,342,262, T>C on the plus strand (A>G on the coding strand, the complement: RFX5 is on the minus strand). VCF-style: chr1-151342262-T-C. GRCh37 (hg19) VCF-style: chr1-151314738-T-C.
Other names: c.1775A>G, p.Asn592Ser (NM_000449.4, NM_001379412.1, NM_001379413.1 and 5 more transcripts); c.1655A>G, p.Asn552Ser (NM_001379419.1, NM_001379420.1); short protein forms N552S, N592S.
Identifiers: ClinVar variation 1042868 (VCV001042868.8), dbSNP rs1249805600, ClinGen allele CA341923415.

ClinVar aggregate classification (germline): Uncertain significance (1 of 4 stars; one submission).

Conditions:
MHC class II deficiency. Also called: BLS, TYPE II; Bare lymphocyte syndrome 2. Identifiers: Orphanet 572, MedGen C5447452, MONDO:0008855.

Allele frequency attached by ClinVar (database versions not stated): gnomAD exomes below 0.00001; TOPMed below 0.00001; gnomAD 0.00001.

Submission:

Labcorp Genetics (formerly Invitae), Labcorp
Classification: Uncertain significance for MHC class II deficiency. Last evaluated: 2024-10-29. Review status: criteria provided, single submitter. Criteria: Invitae Variant Classification Sherloc (09022015). Collection method: clinical testing. Allele origin: germline.
Comment: This sequence change replaces asparagine, which is neutral and polar, with serine, which is neutral and polar, at codon 592 of the RFX5 protein (p.Asn592Ser). This variant is not present in population databases (gnomAD no frequency). This variant has not been reported in the literature in individuals affected with RFX5-related conditions. ClinVar contains an entry for this variant (Variation ID: 1042868). An algorithm developed to predict the effect of missense changes on protein structure and function (PolyPhen-2) suggests that this variant is likely to be tolerated. In summary, the available evidence is currently insufficient to determine the role of this variant in disease. Therefore, it has been classified as a Variant of Uncertain Significance.